The following is an entry in ClinVar:

ClinVar aggregate classification (germline): Uncertain significance (1 of 4 stars; one submission).

Conditions:
Tay-Sachs disease (TSD). Also called: GM2 gangliosidosis, type 1; Hexosaminidase alpha-subunit deficiency (variant B); Sphingolipidosis, Tay-Sachs; Hexosaminidase A Deficiency; HEXA DEFICIENCY; HEXA Disorders. Identifiers: Orphanet 845, MedGen C0039373, MONDO:0010100, OMIM 272800.

Allele frequency attached by ClinVar (database versions not stated): gnomAD 0.00001; TOPMed 0.00001; ExAC 0.00002; gnomAD exomes 0.00011.
gnomAD v4.1: 155 of 1,613,982 alleles (0.0096%); highest among the groups gnomAD compares: Non-Finnish European, 0.013%; no homozygotes.

Submission:

Labcorp Genetics (formerly Invitae), Labcorp
Classification: Uncertain significance for Tay-Sachs disease. Last evaluated: 2022-08-04. Review status: criteria provided, single submitter. Criteria: Invitae Variant Classification Sherloc (09022015). Collection method: clinical testing. Allele origin: germline.
Comment: This sequence change replaces lysine, which is basic and polar, with arginine, which is basic and polar, at codon 409 of the HEXA protein (p.Lys409Arg). This variant is present in population databases (rs752583618, gnomAD 0.005%). This variant has not been reported in the literature in individuals affected with HEXA-related conditions. Algorithms developed to predict the effect of missense changes on protein structure and function output the following: SIFT: "Tolerated"; PolyPhen-2: "Benign"; Align-GVGD: "Class C0". The arginine amino acid residue is found in multiple mammalian species, which suggests that this missense change does not adversely affect protein function. Algorithms developed to predict the effect of sequence changes on RNA splicing suggest that this variant may create or strengthen a splice site. In summary, the available evidence is currently insufficient to determine the role of this variant in disease. Therefore, it has been classified as a Variant of Uncertain Significance.

NM_000520.6(HEXA):c.1226A>G (p.Lys409Arg)

Gene: HEXA (hexosaminidase subunit alpha; minus strand). Cytogenetic location: 15q23.
Variant type: single nucleotide variant.
Coding change: c.1226A>G on transcript NM_000520.6 (MANE Select); coding-DNA position 1226, A replaced by G.
Protein change: p.Lys409Arg; replaces lysine 409 with arginine.
Molecular consequence: missense variant.
Genome position (GRCh38, 1-based): chr15:72,346,631, T>C on the plus strand (A>G on the coding strand, the complement: HEXA is on the minus strand). VCF-style: chr15-72346631-T-C. GRCh37 (hg19) VCF-style: chr15-72638972-T-C.
Other names: c.1259A>G, p.Lys420Arg (NM_001318825.2); short protein forms K420R, K409R.
Identifiers: ClinVar variation 2143392 (VCV002143392.1), dbSNP rs752583618, ClinGen allele CA7644755.